The following is an entry in ClinVar:

NM_001386140.1(MTTP):c.767del (p.Lys255_Leu256insTer)

Gene: MTTP (microsomal triglyceride transfer protein; plus strand). Cytogenetic location: 4q23.
Variant type: Deletion.
Coding change: c.767del on transcript NM_001386140.1 (MANE Select); coding-DNA position 767, one base deleted (T; older notation c.767delT).
Protein change: p.Lys255_Leu256insTer.
Molecular consequence: nonsense.
Genome position (GRCh38, 1-based): chr4:99,594,741, T deleted; the last of 2 consecutive T bases (chr4:99,594,740-99,594,741); deleting either gives the same sequence. VCF-style (leftmost placement, unchanged base first): chr4-99594739-AT-A. GRCh37 (hg19) VCF-style: chr4-100515896-AT-A.
Other names: c.767del, p.Lys255_Leu256insTer (NM_000253.4); c.518del, p.Lys172_Leu173insTer (NM_001300785.2).
Identifiers: ClinVar variation 3723730 (VCV003723730.2).

ClinVar aggregate classification (germline): Pathogenic (1 of 4 stars; one submission).

Submission:

Labcorp Genetics (formerly Invitae), Labcorp
Classification: Pathogenic. Last evaluated: 2024-10-24. Review status: criteria provided, single submitter. Criteria: Invitae Variant Classification Sherloc (09022015). Collection method: clinical testing. Allele origin: germline.
Comment: This sequence change creates a premature translational stop signal (p.Leu256*) in the MTTP gene. It is expected to result in an absent or disrupted protein product. Loss-of-function variants in MTTP are known to be pathogenic (PMID: 8533758, 9671739). This variant is not present in population databases (gnomAD no frequency). This variant has not been reported in the literature in individuals affected with MTTP-related conditions. For these reasons, this variant has been classified as Pathogenic.

Literature cited by the submitters: PubMed 8533758; PubMed 9671739.